The following is an entry in ClinVar:

ClinVar aggregate classification (germline): Conflicting classifications of pathogenicity. Review status: criteria provided, conflicting classifications (1 of 4 stars). 10 submissions from 7 submitters: Uncertain significance (4); Likely benign (6). Last evaluated 2025-12-08.

Conditions:
Thyrotoxic periodic paralysis, susceptibility to, 1 (TTPP1). Identifiers: Orphanet 79102, MedGen C2749982, MONDO:0008570, OMIM 188580.
Congenital myopathy 18. Also called: Myopathy, congenital, due to dihydropyridine receptor defect; DIHYDROPYRIDINE RECEPTOR CONGENITAL MYOPATHY; DHPR CONGENITAL MYOPATHY. Identifiers: MedGen C5830283, MONDO:0859514, OMIM 620246.
Malignant hyperthermia, susceptibility to, 5 (MHS5). Also called: CACNA1S-Related Malignant Hyperthermia Susceptibility. Identifiers: Orphanet 423, MedGen C1866077, MONDO:0011163, OMIM 601887.
Hypokalemic periodic paralysis, type 1. Also called: HypoPP; Hypokalemic Periodic Paralysis Type 1 (AD). Identifiers: Orphanet 681, MedGen C3714580, MONDO:0042979, OMIM 170400.

Allele frequency attached by ClinVar (database versions not stated): TOPMed 0.00008; gnomAD 0.00012 and 0.00013; ExAC 0.00016; ESP Exome Variant Server 0.00031; gnomAD exomes 0.00017 and 0.00020.
gnomAD v4.1: 306 of 1,614,104 alleles (0.019%); highest among the groups gnomAD compares: Non-Finnish European, 0.025%; no homozygotes.

Submissions (10):

Labcorp Genetics (formerly Invitae), Labcorp
Classification: Likely benign for Hypokalemic periodic paralysis, type 1; Malignant hyperthermia, susceptibility to, 5. Last evaluated: 2025-12-08. Review status: criteria provided, single submitter. Criteria: Invitae Variant Classification Sherloc (09022015). Collection method: clinical testing. Allele origin: germline.

GeneDx
Classification: Uncertain significance. Last evaluated: 2025-11-04. Review status: criteria provided, single submitter. Criteria: GeneDx Variant Classification Process June 2021. Collection method: clinical testing. Allele origin: germline.
Comment: Reported in a patient with statin-induced muscle pain, exercise intolerance, and elevated plasma CK and liver enzymes in the published literature who also had a variant in another gene that may have been responsible for the phenotype (PMID: 30325262); In silico analysis suggests that this missense variant does not alter protein structure/function; This variant is associated with the following publications: (PMID: 30325262)

Mayo Clinic Laboratories, Mayo Clinic
Classification: Uncertain significance. Last evaluated: 2025-06-12. Review status: criteria provided, single submitter. Criteria: ACMG Guidelines, 2015. Collection method: clinical testing. Allele origin: germline. Observed: 1 variant allele.
Comment: BP4

All of Us Research Program, National Institutes of Health
Classification: Uncertain significance for Malignant hyperthermia, susceptibility to, 5. Last evaluated: 2024-09-25. Review status: criteria provided, single submitter. Criteria: ACMG Guidelines, 2015. Collection method: clinical testing. Allele origin: germline. Inheritance: Autosomal dominant inheritance. Observed: 55 variant alleles, 55 heterozygotes.
Comment: This missense variant replaces tyrosine with asparagine at codon 1670 of the CACNA1S protein. Computational prediction suggests that this variant may not impact protein structure and function (internally defined REVEL score threshold <= 0.5, PMID: 27666373). To our knowledge, functional studies have not been reported for this variant. This variant has not been reported in individuals affected with malignant hyperthermia in the literature. It has been reported in an individual with severe statin-associated muscle symptoms (PMID: 30325262). This variant has been identified in 46/282682 chromosomes in the general population by the Genome Aggregation Database (gnomAD). The available evidence is insufficient to determine the role of this variant in disease conclusively. Therefore, this variant is classified as a Variant of Uncertain Significance.

This study involves interpretation of variants in research participants for the purpose of population health screening. Participant phenotype was not available at the time of variant classification. Additional details can be found in publication PMID: 35346344, PMCID: PMC8962531

Color Diagnostics, LLC DBA Color Health
Classification: Uncertain significance for Malignant hyperthermia, susceptibility to, 5. Last evaluated: 2024-04-17. Review status: criteria provided, single submitter. Criteria: ACMG Guidelines, 2015. Collection method: clinical testing. Allele origin: germline.
Comment: This missense variant replaces tyrosine with asparagine at codon 1670 of the CACNA1S protein. Computational prediction suggests that this variant may not impact protein structure and function. To our knowledge, functional studies have not been reported for this variant. This variant has not been reported in individuals affected with malignant hyperthermia in the literature. It has been reported in an individual with severe statin-associated muscle symptoms (PMID: 30325262). This variant has been identified in 46/282682 chromosomes in the general population by the Genome Aggregation Database (gnomAD). The available evidence is insufficient to determine the role of this variant in disease conclusively. Therefore, this variant is classified as a Variant of Uncertain Significance.

Genome-Nilou Lab
Classification: Likely benign for Malignant hyperthermia, susceptibility to, 5. Last evaluated: 2023-04-11. Review status: criteria provided, single submitter. Criteria: ACMG Guidelines, 2015. Collection method: clinical testing. Allele origin: germline. Affected: no.

Genome-Nilou Lab
Classification: Likely benign for Thyrotoxic periodic paralysis, susceptibility to, 1. Last evaluated: 2023-04-11. Review status: criteria provided, single submitter. Criteria: ACMG Guidelines, 2015. Collection method: clinical testing. Allele origin: germline. Affected: no.

Genome-Nilou Lab
Classification: Likely benign for Congenital myopathy 18. Last evaluated: 2023-04-11. Review status: criteria provided, single submitter. Criteria: ACMG Guidelines, 2015. Collection method: clinical testing. Allele origin: germline. Affected: no.

Genome-Nilou Lab
Classification: Likely benign for Hypokalemic periodic paralysis, type 1. Last evaluated: 2023-04-11. Review status: criteria provided, single submitter. Criteria: ACMG Guidelines, 2015. Collection method: clinical testing. Allele origin: germline. Affected: no.

Illumina Laboratory Services, Illumina
Classification: Likely benign for Hypokalemic periodic paralysis, type 1. Last evaluated: 2018-01-13. Review status: criteria provided, single submitter. Criteria: ICSL Variant Classification Criteria 13 December 2019. Collection method: clinical testing. Allele origin: germline.
Comment: This variant was observed in the ICSL laboratory as part of a predisposition screen in an ostensibly healthy population. It had not been previously curated by ICSL or reported in the Human Gene Mutation Database (HGMD: prior to June 1st, 2018), and was therefore a candidate for classification through an automated scoring system. Utilizing variant allele frequency, disease prevalence and penetrance estimates, and inheritance mode, an automated score was calculated to assess if this variant is too frequent to cause the disease. Based on the score and internal cut-off values, a variant classified as likely benign is not then subjected to further curation. The score for this variant resulted in a classification of likely benign for this disease.

Literature cited by the submitters: PubMed 28952030 (cited by Mayo Clinic Laboratories, Mayo Clinic); PubMed 30325262 (cited by 3 submitters).

NM_000069.3(CACNA1S):c.5008T>A (p.Tyr1670Asn)

Gene: CACNA1S (calcium voltage-gated channel subunit alpha1 S; minus strand). Cytogenetic location: 1q32.1.
Variant type: single nucleotide variant.
Coding change: c.5008T>A on transcript NM_000069.3 (MANE Select); coding-DNA position 5008, T replaced by A.
Protein change: p.Tyr1670Asn; replaces tyrosine 1670 with asparagine.
Molecular consequence: missense variant.
Genome position (GRCh38, 1-based): chr1:201,043,321, A>T on the plus strand (T>A on the coding strand, the complement: CACNA1S is on the minus strand). VCF-style: chr1-201043321-A-T. GRCh37 (hg19) VCF-style: chr1-201012449-A-T.
Other names: p.Tyr1670Asn; short protein forms Y1670N.
Identifiers: ClinVar variation 294708 (VCV000294708.22), dbSNP rs146696748, ClinGen allele CA083665.
Genomic context (GRCh38, chr1:201,043,321, plus strand): 5'-ATGGCAGTGGCCGCCACTACCTGGAAAACACATGGCTGTTGCTATGGTTGCTGTTGCCAT[A>T]GGCGACATTGGCGTTGGCATTGTTGGTATTGGCACGAGCCAGGGGGTTGGTGCGTGGATC-3'
Protein context (NP_000060.2, residues 1660-1680): NTNNANANVA[Tyr1670Asn]GNSNHSNSHV